The following continues an entry in ClinVar:

NM_206933.4(USH2A):c.11864G>A (p.Trp3955Ter)

Gene: USH2A. ClinVar aggregate classification (germline): Pathogenic. Pathogenic (34).

Submissions 16 to 36 of 43:

Women's Health and Genetics/Laboratory Corporation of America, LabCorp
Classification: Pathogenic for Usher syndrome. Last evaluated: 2023-01-11. Review status: criteria provided, single submitter. Criteria: LabCorp Variant Classification Summary - May 2015. Collection method: clinical testing. Allele origin: germline.
Comment: Variant summary: USH2A c.11864G>A (p.Trp3955X) results in a premature termination codon, predicted to cause a truncation of the encoded protein or absence of the protein due to nonsense mediated decay, which are commonly known mechanisms for disease. The variant allele was found at a frequency of 9.2e-05 in 251168 control chromosomes. This frequency is not significantly higher than estimated for a pathogenic variant in USH2A causing Usher Syndrome (9.2e-05 vs 0.011), allowing no conclusion about variant significance. c.11864G>A has been reported in the literature as biallelic homozygous or compound heterozygous genotypes in multiple individuals affected with Usher Syndrome (example, PMID: 27460420, 28944237). These data indicate that the variant is very likely to be associated with disease. Multiple clinical diagnostic laboratories have submitted clinical-significance assessments for this variant to ClinVar after 2014 and all classified the variant as pathogenic. Based on the evidence outlined above, the variant was classified as pathogenic.

Institute of Human Genetics, Univ. Regensburg, Univ. Regensburg
Classification: Pathogenic for Retinal dystrophy. Last evaluated: 2023-01-01. Review status: criteria provided, single submitter. Criteria: ACMG Guidelines, 2015. Collection method: clinical testing. Allele origin: germline. Affected: yes.

The Shared Resource Centre "Genome", Research Centre for Medical Genetics
Classification: Pathogenic for Usher syndrome type 2A. Last evaluated: 2022-11-10. Review status: criteria provided, single submitter. Criteria: ACMG Guidelines, 2015. Collection method: clinical testing. Allele origin: germline. Affected: yes. Observed: 6 variant alleles.

MGZ Medical Genetics Center
Classification: Pathogenic for Usher syndrome type 2A. Last evaluated: 2022-09-05. Review status: criteria provided, single submitter. Criteria: ACMG Guidelines, 2015. Collection method: clinical testing. Allele origin: germline. Affected: yes. Observed: 2 variant alleles.
Comment: ACMG criteria applied: PVS1, PS4, PM3_STR, PM2_SUP, PP1

Genetics and Molecular Pathology, SA Pathology
Classification: Pathogenic for Usher syndrome type 2A. Last evaluated: 2022-03-11. Review status: criteria provided, single submitter. Criteria: ACMG Guidelines, 2015. Collection method: clinical testing. Allele origin: germline. Affected: yes.

GeneDx
Classification: Pathogenic. Last evaluated: 2022-02-02. Review status: criteria provided, single submitter. Criteria: GeneDx Variant Classification Process June 2021. Collection method: clinical testing. Allele origin: germline. Affected: yes.
Comment: Nonsense variant predicted to result in protein truncation or nonsense mediated decay in a gene for which loss-of-function is a known mechanism of disease; This variant is associated with the following publications: (PMID: 25262649, 19683999, 28944237, 29293505, 31817543, 25575603, 22135276, 18273898, 18463160, 26927203, 28749477, 29551606, 28945494, 29986705, 28984810, 28559085, 31370859, 15015129, 16963483, 31054281, 31266775, 31456290, 32581362, 32188678, 34426522, 33089500, 31589614, 33576794, 33105617, 33737949, 32037395)

Laboratory of Medical Genetics, National & Kapodistrian University of Athens
Classification: Pathogenic for Usher syndrome type 2A. Last evaluated: 2022-01-13. Review status: criteria provided, single submitter. Criteria: ACMG Guidelines, 2015. Collection method: clinical testing. Allele origin: germline. Affected: yes.
Comment: PVS1, PM2, PP3, PP5

Dasa
Classification: Pathogenic for USH2A-related disorder. Last evaluated: 2022-01-05. Review status: criteria provided, single submitter. Criteria: ACMG Guidelines, 2015. Collection method: clinical testing. Allele origin: germline. Affected: yes. Observed: 1 variant allele.
Comment: The c.11864G>A;p.(Trp3955*) variant creates a premature translational stop signal in the USH2A gene. It is expected to result in an absent or disrupted protein product -PVS1. This sequence change has been observed in affected individual(s) and ClinVar contains an entry for this variant (Clinvar ID:2357; PMID: 29293505; 27460420; 26927203; 25649381; 25575603; 25333064; 22135276; 21569298; 20507924) - PS4. The variant is present at low allele frequencies population databases (rs111033364 – gnomAD 0.01249%; ABraOM no frequency) - PM2_supporting. The p.(Trp3955*) was detected in trans with a pathogenic variant (PMID: 29293505; 27460420; 25649381; 25575603; 25333064; 22135276; 21569298) - PM3_strong. The variant co-segregated with disease in multiple affected family members (PMID: 25575603) - PP1. In summary, the currently available evidence indicates that the variant is pathogenic.

Department of Pathology and Laboratory Medicine, Sinai Health System
Classification: Pathogenic for Usher syndrome type 2A; Retinitis pigmentosa 39. Last evaluated: 2021-10-16. Review status: criteria provided, single submitter. Criteria: ACMG Guidelines, 2015. Collection method: research. Allele origin: germline.

Centre of Medical Genetics, University Hospital Muenster
Classification: Pathogenic. Last evaluated: 2021-05-11. Review status: criteria provided, single submitter. Criteria: ACMG Guidelines, 2015. Collection method: clinical testing. Allele origin: unknown. Affected: yes. Observed: 1 variant allele, 1 heterozygote.
Comment: ACMG categories: PVS1,PM2,PM3,PP3,PP5

Ocular Genomics Institute, Massachusetts Eye and Ear
Classification: Pathogenic for Retinitis pigmentosa 39. Last evaluated: 2021-04-08. Review status: criteria provided, single submitter. Criteria: ACMG Guidelines, 2015. Collection method: research. Allele origin: germline. Affected: yes.
Comment: Through a review of available evidence we were able to apply the following criteria: PVS1, PM2, PM3, PP3, PP4. Based on this evidence we have classified this variant as Pathogenic.

Broad Center for Mendelian Genomics, Broad Institute of MIT and Harvard
Classification: Pathogenic for Retinitis pigmentosa. Last evaluated: 2021-04-01. Review status: criteria provided, single submitter. Criteria: ACMG Guidelines, 2015. Collection method: curation. Allele origin: germline. Inheritance: Autosomal recessive inheritance. Affected: yes.
Comment: Through a review of available evidence we were able to apply the following criteria: PVS1, PM2, PM3, PP3, PP4. Based on this evidence we have classified this variant as Pathogenic. If you have any questions about the classification please reach out to the Pierce Lab.

Institute of Medical Genetics and Applied Genomics, University Hospital Tübingen
Classification: Pathogenic. Last evaluated: 2020-10-23. Review status: criteria provided, single submitter. Criteria: ACMG Guidelines, 2015. Collection method: clinical testing. Allele origin: germline. Inheritance: Autosomal recessive inheritance. Affected: yes.

Myriad Genetics, Inc.
Classification: Pathogenic for Usher syndrome type 2A. Last evaluated: 2019-12-26. Review status: criteria provided, single submitter. Criteria: Myriad Women's Health Autosomal Recessive and X-Linked Classification Criteria (2019). Collection method: clinical testing. Allele origin: unknown.
Comment: NM_206933.2(USH2A):c.11864G>A(W3955*) is classified as pathogenic in the context of USH2A-related disorders. Sources cited for classification include the following: PMID 27460420. Classification of NM_206933.2(USH2A):c.11864G>A(W3955*) is based on the following criteria: The variant causes a premature termination codon that is expected to be targeted by nonsense-mediated mRNA decay and is reported in individuals with the relevant phenotype. Please note: this variant was assessed in the context of healthy population screening.

Centre for Mendelian Genomics, University Medical Centre Ljubljana
Classification: Pathogenic for Usher syndrome type 2A. Last evaluated: 2019-10-21. Review status: criteria provided, single submitter. Criteria: ACMG Guidelines, 2015. Collection method: clinical testing. Allele origin: unknown. Affected: yes.
Comment: This variant was classified as: Pathogenic. The following ACMG criteria were applied in classifying this variant: PVS1,PS1,PM2.

Laboratory for Molecular Medicine, Mass General Brigham Personalized Medicine
Classification: Pathogenic for Rare genetic deafness; Usher syndrome. Last evaluated: 2017-10-03. Review status: criteria provided, single submitter. Criteria: LMM Criteria. Collection method: clinical testing. Allele origin: germline. Inheritance: Autosomal recessive inheritance. Observed: 8 variant alleles.
Comment: The p.Trp3955X variant in USH2A has been reported in many probands with Usher sy ndrome, many of whom were homozygous or compound heterozygous (van Wijk 2004, Cr emers 2007, Jacobson 2008, Dreyer 2008, Jaijo 2009, LMM data). This variant has also been identified in 0.025% (32/128914) of European chromosomes, including 1 homozygote, by gnomAD. Although this variant has been seen in the general population, its frequency is not high enough to ru le out a pathogenic role. This nonsense variant leads to a premature termination codon at position 3955, which is predicted to lead to a truncated or absent pro tein. In summary, this variant meets criteria to be classified as pathogenic for autosomal recessive Usher syndrome. ACMG/AMP Criteria applied: PVS1, PM3_Very S trong, PP4.

Eurofins Ntd Llc (ga)
Classification: Pathogenic. Last evaluated: 2016-08-30. Review status: criteria provided, single submitter. Criteria: EGL Classification Definitions 2015. Collection method: clinical testing. Allele origin: germline. Observed: 5 variant alleles, 5 heterozygotes.

Centre for Mendelian Genomics, University Medical Centre Ljubljana
Classification: Pathogenic for Hearing impairment. Last evaluated: 2014-07-23. Review status: criteria provided, single submitter. Criteria: ACMG Guidelines, 2015. Collection method: clinical testing. Allele origin: unknown. Affected: yes.

Baylor Genetics
Classification: Pathogenic for Usher syndrome type 2A. Review status: criteria provided, single submitter. Criteria: ACMG Guidelines, 2015. Collection method: clinical testing. Allele origin: germline.

Zotz-Klimas Genetics Lab, MVZ Zotz Klimas
Classification: Pathogenic for Usher syndrome type 2A. Last evaluated: 2023-10-30. Review status: no assertion criteria provided. Collection method: clinical testing. Allele origin: germline. Affected: yes. Not counted in ClinVar's aggregate classification.

Sharon lab, Hadassah-Hebrew University Medical Center
Classification: Pathogenic for Usher syndrome type 2. Last evaluated: 2019-06-23. Review status: no assertion criteria provided. Collection method: research. Allele origin: inherited. Affected: yes. Not counted in ClinVar's aggregate classification.